The following is an entry in ClinVar:

NM_001042492.3(NF1):c.8294C>T (p.Ala2765Val)

Gene: NF1 (neurofibromin 1; plus strand). Cytogenetic location: 17q11.2.
Variant type: single nucleotide variant.
Coding change: c.8294C>T on transcript NM_001042492.3 (MANE Select); coding-DNA position 8294, C replaced by T.
Protein change: p.Ala2765Val; replaces alanine 2765 with valine.
Molecular consequence: missense variant.
Genome position (GRCh38, 1-based): chr17:31,360,620, C>T. VCF-style: chr17-31360620-C-T. GRCh37 (hg19) VCF-style: chr17-29687638-C-T.
Other names: c.8231C>T, p.Ala2744Val (NM_000267.4); short protein forms A2765V, A2744V.
Identifiers: ClinVar variation 1762562 (VCV001762562.5), dbSNP rs779635437, ClinGen allele CA8487783.

ClinVar aggregate classification (germline): Conflicting classifications of pathogenicity. Review status: criteria provided, conflicting classifications (1 of 4 stars). 2 submissions from 2 submitters: Uncertain significance (1); Likely benign (1). Last evaluated 2026-08-06.

Conditions:
Cardiovascular phenotype. Identifiers: MedGen CN230736.
Hereditary cancer-predisposing syndrome. Also called: Hereditary Cancer Syndrome; Hereditary neoplastic syndrome; Neoplastic Syndromes, Hereditary; Tumor predisposition. Identifiers: Orphanet 140162, MedGen C0027672, MeSH D009386, MONDO:0015356.
Neurofibromatosis, type 1 (NF1). Also called: VON RECKLINGHAUSEN DISEASE; Peripheral type neurofibromatosis; Neurofibromatosis, type I; NEUROFIBROMATOSIS, TYPE I, SOMATIC. Identifiers: Orphanet 636, MedGen C0027831, MONDO:0018975, OMIM 162200. Disease mechanism: loss of function.

Allele frequency attached by ClinVar (database versions not stated): gnomAD exomes below 0.00001; ExAC 0.00001.
gnomAD v4.1: 2 of 1,614,122 alleles (0.00012%); highest among the groups gnomAD compares: Non-Finnish European, 0.00017%; no homozygotes.

Submissions (2):

Ambry Genetics
Classification: Likely benign for Cardiovascular phenotype; Hereditary cancer-predisposing syndrome. Last evaluated: 2026-08-06. Review status: criteria provided, single submitter. Criteria: Ambry Variant Classification Scheme 2023. Collection method: clinical testing. Allele origin: germline.

Labcorp Genetics (formerly Invitae), Labcorp
Classification: Uncertain significance for Neurofibromatosis, type 1. Last evaluated: 2025-01-30. Review status: criteria provided, single submitter. Criteria: Invitae Variant Classification Sherloc (09022015). Collection method: clinical testing. Allele origin: germline.
Comment: This sequence change replaces alanine, which is neutral and non-polar, with valine, which is neutral and non-polar, at codon 2744 of the NF1 protein (p.Ala2744Val). This variant is present in population databases (rs779635437, gnomAD 0.0009%). This variant has not been reported in the literature in individuals affected with NF1-related conditions. ClinVar contains an entry for this variant (Variation ID: 1762562). Invitae Evidence Modeling of protein sequence and biophysical properties (such as structural, functional, and spatial information, amino acid conservation, physicochemical variation, residue mobility, and thermodynamic stability) indicates that this missense variant is not expected to disrupt NF1 protein function with a negative predictive value of 95%. In summary, the available evidence is currently insufficient to determine the role of this variant in disease. Therefore, it has been classified as a Variant of Uncertain Significance.